The following is an entry in ClinVar:

NM_002470.4(MYH3):c.3661G>A (p.Glu1221Lys)

Gene: MYH3 (myosin heavy chain 3; minus strand). Cytogenetic location: 17p13.1.
Variant type: single nucleotide variant.
Coding change: c.3661G>A on transcript NM_002470.4 (MANE Select); coding-DNA position 3661, G replaced by A.
Protein change: p.Glu1221Lys; replaces glutamic acid 1221 with lysine.
Molecular consequence: missense variant.
Genome position (GRCh38, 1-based): chr17:10,638,111, C>T on the plus strand (G>A on the coding strand, the complement: MYH3 is on the minus strand). VCF-style: chr17-10638111-C-T. GRCh37 (hg19) VCF-style: chr17-10541428-C-T.
Other names: short protein forms E1221K.
Identifiers: ClinVar variation 2634011 (VCV002634011.1), dbSNP rs2508592381, ClinGen allele CA398150715.
Genomic context (GRCh38, chr17:10,638,111, plus strand): 5'-TCGACACACTCTCCATGCTGCTGGAGAGGTCATCGATCTCCAGCTTGAACTCGCTCTTCT[C>T]CTTCTCCAGCTTCTGCTTGACCCGCTGCAGGTTGTCAATCTGCTCCCCAAGCTCGGCCAC-3'
Protein context (NP_002461.2, residues 1211-1231): LQRVKQKLEK[Glu1221Lys]KSEFKLEIDD

ClinVar aggregate classification (germline): Uncertain significance (1 of 4 stars; one submission).

Conditions:
MYH3-related disorder. Also called: MYH3-Related Disorders; MYH3-related condition. Identifiers: MedGen CN239329.

Submission:

PreventionGenetics, part of Exact Sciences
Classification: Uncertain significance for MYH3-related condition. Last evaluated: 2023-10-03. Review status: criteria provided, single submitter. Criteria: ACMG Guidelines, 2015. Collection method: clinical testing. Allele origin: germline.
Comment: The MYH3 c.3661G>A variant is predicted to result in the amino acid substitution p.Glu1221Lys. To our knowledge, this variant has not been reported in the literature or in a large population database, indicating this variant is rare. At this time, the clinical significance of this variant is uncertain due to the absence of conclusive functional and genetic evidence.